The following is an entry in ClinVar:

NM_017636.4(TRPM4):c.1375C>T (p.Arg459Cys)

Gene: TRPM4 (transient receptor potential cation channel subfamily M member 4; plus strand). Cytogenetic location: 19q13.33.
Variant type: single nucleotide variant.
Coding change: c.1375C>T on transcript NM_017636.4 (MANE Select); coding-DNA position 1375, C replaced by T.
Protein change: p.Arg459Cys; replaces arginine 459 with cysteine.
Molecular consequence: missense variant. On other transcripts: 5 prime UTR variant (1).
Genome position (GRCh38, 1-based): chr19:49,182,689, C>T. VCF-style: chr19-49182689-C-T. GRCh37 (hg19) VCF-style: chr19-49685946-C-T.
Other names: c.1375C>T, p.Arg459Cys (NM_001195227.2); c.1030C>T, p.Arg344Cys (NM_001321281.2); c.-179C>T (NM_001321282.2); c.853C>T, p.Arg285Cys (NM_001321283.2); c.313C>T, p.Arg105Cys (NM_001321285.2); short protein forms R105C, R459C, R344C, R285C.
Identifiers: ClinVar variation 2161761 (VCV002161761.4), dbSNP rs762730503, ClinGen allele CA9569181.

ClinVar aggregate classification (germline): Uncertain significance (1 of 4 stars; one submission).

Conditions:
Progressive familial heart block type IB (PFHB1B). Identifiers: Orphanet 871, MedGen C1970298, MONDO:0011474, OMIM 604559.

Allele frequency attached by ClinVar (database versions not stated): gnomAD 0.00001; TOPMed 0.00001; ExAC 0.00003.

Submission:

Labcorp Genetics (formerly Invitae), Labcorp
Classification: Uncertain significance for Progressive familial heart block type IB. Last evaluated: 2025-10-17. Review status: criteria provided, single submitter. Criteria: Invitae Variant Classification Sherloc (09022015). Collection method: clinical testing. Allele origin: germline.
Comment: This sequence change replaces arginine, which is basic and polar, with cysteine, which is neutral and slightly polar, at codon 459 of the TRPM4 protein (p.Arg459Cys). This variant is present in population databases (rs762730503, gnomAD 0.05%). This variant has not been reported in the literature in individuals affected with TRPM4-related conditions. ClinVar contains an entry for this variant (Variation ID: 2161761). An algorithm developed to predict the effect of missense changes on protein structure and function (PolyPhen-2) suggests that this variant is likely to be disruptive. In summary, the available evidence is currently insufficient to determine the role of this variant in disease. Therefore, it has been classified as a Variant of Uncertain Significance.